The following is an entry in ClinVar:

ClinVar aggregate classification (germline): Uncertain significance (1 of 4 stars; one submission).

Conditions:
Focal segmental glomerulosclerosis 5 (FSGS5). Identifiers: Orphanet 656, MedGen C2750475, MONDO:0013191, OMIM 613237.
Charcot-Marie-Tooth disease dominant intermediate E. Also called: CHARCOT-MARIE-TOOTH NEUROPATHY WITH FOCAL SEGMENTAL GLOMERULONEPHRITIS. Identifiers: Orphanet 93114, MedGen C4302667, MONDO:0013758, OMIM 614455.

Submission:

Labcorp Genetics (formerly Invitae), Labcorp
Classification: Uncertain significance for Charcot-Marie-Tooth disease dominant intermediate E; Focal segmental glomerulosclerosis 5. Last evaluated: 2022-07-12. Review status: criteria provided, single submitter. Criteria: Invitae Variant Classification Sherloc (09022015). Collection method: clinical testing. Allele origin: germline.
Comment: In summary, the available evidence is currently insufficient to determine the role of this variant in disease. Therefore, it has been classified as a Variant of Uncertain Significance. This variant has not been reported in the literature in individuals affected with INF2-related conditions. This variant results in a copy number gain of the genomic region encompassing exon(s) 13-23 of the INF2 gene. This region includes the termination codon of the gene. This copy number gain extends beyond the assayed region for this gene and therefore may encompass additional genes. As the precise location of this event is unknown, it may be in tandem or it may be located elsewhere in the genome.

NC_000014.8:g.(?_105176405)_(105185180_?)dup

Gene: INF2 (inverted formin 2; plus strand). Cytogenetic location: 14q32.33.
Variant type: Duplication.
Identifiers: ClinVar variation 472836 (VCV000472836.6).